The following is an entry in ClinVar:

ClinVar aggregate classification (germline): Uncertain significance. Review status: criteria provided, multiple submitters, no conflicts (2 of 4 stars). 2 submissions from 2 submitters: Uncertain significance (2). Last evaluated 2026-09-02.

Conditions:
OTOG-related disorder. Also called: OTOG-related condition.

Allele frequency attached by ClinVar (database versions not stated): gnomAD 0.00011; 1000 Genomes Project 30x 0.00016.
gnomAD v4.1: 197 of 1,549,556 alleles (0.013%); highest among the groups gnomAD compares: Non-Finnish European, 0.016%; no homozygotes.

Submissions (2):

PreventionGenetics, part of Exact Sciences
Classification: Uncertain significance for OTOG-related condition. Last evaluated: 2026-09-02. Review status: criteria provided, single submitter. Criteria: ACMG Guidelines, 2015. Collection method: clinical testing. Allele origin: germline.
Comment: The OTOG c.3913G>C variant is predicted to result in the amino acid substitution p.Asp1305His. To our knowledge, this variant has not been reported in the literature. This variant is reported in 0.013% of alleles in individuals of African descent in gnomAD. At this time, the clinical significance of this variant is uncertain due to the absence of conclusive functional and genetic evidence.

Labcorp Genetics (formerly Invitae), Labcorp
Classification: Uncertain significance. Last evaluated: 2023-08-04. Review status: criteria provided, single submitter. Criteria: Invitae Variant Classification Sherloc (09022015). Collection method: clinical testing. Allele origin: germline.
Comment: In summary, the available evidence is currently insufficient to determine the role of this variant in disease. Therefore, it has been classified as a Variant of Uncertain Significance. Variants that disrupt the consensus splice site are a relatively common cause of aberrant splicing (PMID: 17576681, 9536098). Algorithms developed to predict the effect of sequence changes on RNA splicing suggest that this variant may disrupt the consensus splice site. An algorithm developed to predict the effect of missense changes on protein structure and function (PolyPhen-2) suggests that this variant is likely to be disruptive. ClinVar contains an entry for this variant (Variation ID: 2201000). This variant has not been reported in the literature in individuals affected with OTOG-related conditions. This variant is present in population databases (no rsID available, gnomAD 0.01%). This sequence change replaces aspartic acid, which is acidic and polar, with histidine, which is basic and polar, at codon 1305 of the OTOG protein (p.Asp1305His). This variant also falls at the last nucleotide of exon 31, which is part of the consensus splice site for this exon.

Literature cited by the submitters: PubMed 17576681 (cited by Labcorp Genetics (formerly Invitae), Labcorp); PubMed 9536098 (cited by Labcorp Genetics (formerly Invitae), Labcorp).

NM_001292063.2(OTOG):c.3877G>C (p.Asp1293His)

Gene: OTOG (otogelin; plus strand). Cytogenetic location: 11p15.1.
Variant type: single nucleotide variant.
Coding change: c.3877G>C on transcript NM_001292063.2 (MANE Select); coding-DNA position 3877, G replaced by C.
Protein change: p.Asp1293His; replaces aspartic acid 1293 with histidine.
Molecular consequence: missense variant.
Genome position (GRCh38, 1-based): chr11:17,602,377, G>C. VCF-style: chr11-17602377-G-C. GRCh37 (hg19) VCF-style: chr11-17623924-G-C.
Other names: c.3913G>C (NM_001277269.1); c.3913G>C, p.Asp1305His (NM_001277269.2); short protein forms D1293H, D1305H.
Identifiers: ClinVar variation 2201000 (VCV002201000.4), dbSNP rs1045444996, ClinGen allele CA218465546.